The following is an entry in ClinVar:

ClinVar aggregate classification (germline): Uncertain significance. Review status: criteria provided, multiple submitters, no conflicts (2 of 4 stars). 6 submissions from 6 submitters: Uncertain significance (6). Last evaluated 2025-05-19.

Conditions:
Hereditary cancer-predisposing syndrome. Also called: Tumor predisposition; Hereditary neoplastic syndrome; Hereditary Cancer Syndrome; Neoplastic Syndromes, Hereditary. Identifiers: Orphanet 140162, MedGen C0027672, MeSH D009386, MONDO:0015356.
Fanconi anemia complementation group J. Also called: BRIP1-Related Fanconi Anemia. Identifiers: Orphanet 84, MedGen C1836860, MONDO:0012187, OMIM 609054.
Familial cancer of breast. Also called: BREAST CANCER, FAMILIAL; Hereditary breast cancer; hereditary breast carcinoma. Identifiers: Orphanet 227535, MedGen C0346153, MONDO:0016419, OMIM 114480. Disease mechanism: loss of function.

Allele frequency attached by ClinVar (database versions not stated): gnomAD exomes below 0.00001.
gnomAD v4.1: 3 of 1,613,962 alleles (0.00019%); highest among the groups gnomAD compares: Non-Finnish European, 0.00025%; no homozygotes.

Submissions (6):

Dasa
Classification: Uncertain significance. Last evaluated: 2025-05-19. Review status: criteria provided, single submitter. Criteria: DASA Assertion Criteria. Collection method: clinical testing. Allele origin: germline.
Comment: NM_032043.3(BRIP1):c.1676C>G (p.Thr559Arg) is a missense variant that results in the substitution of threonine with arginine. This variant is rare in population databases. Computational prediction algorithms are consistent with a benign effect. The currently available literature and clinical evidence are not sufficient to establish a definitive association between this variant and the reported condition. Therefore, this variant is classified as a variant of uncertain significance.

Molecular Diagnostics Laboratory, Catalan Institute of Oncology
Classification: Uncertain significance for Hereditary cancer-predisposing syndrome. Last evaluated: 2025-01-13. Review status: criteria provided, single submitter. Criteria: ACMG Guidelines, 2015. Collection method: clinical testing. Allele origin: germline.
Comment: PM2_supporting c.1676C>G, located in exon 12 of the BRIP1 gene, is predicted to result in the substitution of Threonine by Arginine at codon 559, p.(Thr559Arg). It is not present in the population database gnomAD v2.1.1, non cancer dataset (PM2_supporting). The SpliceAI algorithm predicts no significant impact on splicing and the REVEL meta-predictor score (0.34) for this variant is indeterminate regarding the effect that it may have on protein function according Pejaver 2022 thresholds (PMID: 36413997). To our knowledge, neither relevant clinical data nor well-stablished functional studies have been reported for this variant. It has been reported in ClinVar as an uncertain significance variant. Based on currently available information, the variant c.1676C>G should be considered an uncertain significance variant.

Labcorp Genetics (formerly Invitae), Labcorp
Classification: Uncertain significance for Familial cancer of breast; Fanconi anemia complementation group J. Last evaluated: 2024-09-30. Review status: criteria provided, single submitter. Criteria: Invitae Variant Classification Sherloc (09022015). Collection method: clinical testing. Allele origin: germline.
Comment: This sequence change replaces threonine, which is neutral and polar, with arginine, which is basic and polar, at codon 559 of the BRIP1 protein (p.Thr559Arg). This variant is not present in population databases (gnomAD no frequency). This missense change has been observed in individual(s) with breast cancer (PMID: 26921362). ClinVar contains an entry for this variant (Variation ID: 229916). Invitae Evidence Modeling of protein sequence and biophysical properties (such as structural, functional, and spatial information, amino acid conservation, physicochemical variation, residue mobility, and thermodynamic stability) indicates that this missense variant is not expected to disrupt BRIP1 protein function with a negative predictive value of 80%. In summary, the available evidence is currently insufficient to determine the role of this variant in disease. Therefore, it has been classified as a Variant of Uncertain Significance.

Ambry Genetics
Classification: Uncertain significance for Hereditary cancer-predisposing syndrome. Last evaluated: 2024-05-03. Review status: criteria provided, single submitter. Criteria: Ambry Variant Classification Scheme 2023. Collection method: clinical testing. Allele origin: germline.
Comment: The p.T559R variant (also known as c.1676C>G), located in coding exon 11 of the BRIP1 gene, results from a C to G substitution at nucleotide position 1676. The threonine at codon 559 is replaced by arginine, an amino acid with similar properties. This amino acid position is poorly conserved in available vertebrate species. In addition, this alteration is predicted to be tolerated by in silico analysis. Based on the available evidence, the clinical significance of this variant remains unclear.

Color Diagnostics, LLC DBA Color Health
Classification: Uncertain significance for Hereditary cancer-predisposing syndrome. Last evaluated: 2024-03-20. Review status: criteria provided, single submitter. Criteria: ACMG Guidelines, 2015. Collection method: clinical testing. Allele origin: germline.
Comment: This missense variant replaces threonine with arginine at codon 559 of the BRIP1 protein. Computational prediction suggests that this variant may not impact protein structure and function. To our knowledge, functional studies have not been reported for this variant. This variant has been reported in an individual affected with breast cancer (PMID: 26921362). This variant has not been identified in the general population by the Genome Aggregation Database (gnomAD). The available evidence is insufficient to determine the role of this variant in disease conclusively. Therefore, this variant is classified as a Variant of Uncertain Significance.

Revvity Omics, Revvity
Classification: Uncertain significance for Fanconi anemia complementation group J. Last evaluated: 2023-06-09. Review status: criteria provided, single submitter. Criteria: ACMG Guidelines, 2015. Collection method: clinical testing. Allele origin: germline.

Literature cited by the submitters: PubMed 26921362 (cited by Labcorp Genetics (formerly Invitae), Labcorp and Color Diagnostics, LLC DBA Color Health).

NM_032043.3(BRIP1):c.1676C>G (p.Thr559Arg)

Gene: BRIP1 (BRCA1 interacting DNA helicase 1; minus strand). Cytogenetic location: 17q23.2.
Variant type: single nucleotide variant.
Coding change: c.1676C>G on transcript NM_032043.3 (MANE Select); coding-DNA position 1676, C replaced by G.
Protein change: p.Thr559Arg; replaces threonine 559 with arginine.
Molecular consequence: missense variant.
Genome position (GRCh38, 1-based): chr17:61,780,958, G>C on the plus strand (C>G on the coding strand, the complement: BRIP1 is on the minus strand). VCF-style: chr17-61780958-G-C. GRCh37 (hg19) VCF-style: chr17-59858319-G-C.
Other names: short protein forms T559R.
Identifiers: ClinVar variation 229916 (VCV000229916.26), dbSNP rs876658266, ClinGen allele CA10580833.